The following is an entry in ClinVar:

ClinVar aggregate classification (germline): Uncertain significance (1 of 4 stars; one submission).

Allele frequency attached by ClinVar (database versions not stated): gnomAD exomes below 0.00001.
gnomAD v4.1: 1 of 1,613,982 alleles (0.000062%); highest among the groups gnomAD compares: Non-Finnish European, 0.000085%; no homozygotes.

Submission:

Ambry Genetics
Classification: Uncertain significance. Last evaluated: 2023-12-04. Review status: criteria provided, single submitter. Criteria: Ambry Variant Classification Scheme 2023. Collection method: clinical testing. Allele origin: germline.
Comment: The p.Q1963R variant (also known as c.5888A>G), located in coding exon 43 of the PRKDC gene, results from an A to G substitution at nucleotide position 5888. The glutamine at codon 1963 is replaced by arginine, an amino acid with highly similar properties. This amino acid position is conserved. Since supporting evidence is limited at this time, the clinical significance of this alteration remains unclear.

NM_006904.7(PRKDC):c.5888A>G (p.Gln1963Arg)

Gene: PRKDC (protein kinase, DNA-activated, catalytic subunit; minus strand). Cytogenetic location: 8q11.21.
Variant type: single nucleotide variant.
Coding change: c.5888A>G on transcript NM_006904.7 (MANE Select); coding-DNA position 5888, A replaced by G.
Protein change: p.Gln1963Arg; replaces glutamine 1963 with arginine.
Molecular consequence: missense variant.
Genome position (GRCh38, 1-based): chr8:47,862,404, T>C on the plus strand (A>G on the coding strand, the complement: PRKDC is on the minus strand). VCF-style: chr8-47862404-T-C. GRCh37 (hg19) VCF-style: chr8-48774965-T-C.
Other names: c.5888A>G, p.Gln1963Arg (NM_001081640.2); short protein forms Q1963R.
Identifiers: ClinVar variation 3225878 (VCV003225878.1), dbSNP rs2551870673, ClinGen allele CA371162220.